The following is an entry in ClinVar:

NM_002055.5(GFAP):c.*28C>G

Gene: GFAP (glial fibrillary acidic protein; minus strand). Cytogenetic location: 17q21.31.
Variant type: single nucleotide variant.
Coding change: c.*28C>G on transcript NM_002055.5 (MANE Select); 28 bases downstream of the stop codon, C replaced by G.
Molecular consequence: 3 prime UTR variant.
Genome position (GRCh38, 1-based): chr17:44,907,319, G>C on the plus strand (C>G on the coding strand, the complement: GFAP is on the minus strand). VCF-style: chr17-44907319-G-C. GRCh37 (hg19) VCF-style: chr17-42984687-G-C.
Other names: c.*28C>G (NM_001363846.2).
Identifiers: ClinVar variation 66424 (VCV000066424.12), dbSNP rs11558961, ClinGen allele CA217096.

ClinVar aggregate classification (germline): Benign/Likely benign. Review status: criteria provided, multiple submitters, no conflicts (2 of 4 stars). 4 submissions from 4 submitters: Benign (1); Likely benign (1). 2 of the submissions do not count toward it. Last evaluated 2015-03-03.

Allele frequency attached by ClinVar (database versions not stated): 1000 Genomes Project 30x 0.24219; 1000 Genomes Project 0.24381; TOPMed 0.25248; ESP Exome Variant Server 0.26357; gnomAD 0.27601.

Submissions (4):

GeneDx
Classification: Benign. Last evaluated: 2015-03-03. Review status: criteria provided, single submitter. Criteria: GeneDx Variant Classification Process June 2021. Collection method: clinical testing. Allele origin: germline. Affected: yes.
Comment: This variant is associated with the following publications: (PMID: 29746255)

Breakthrough Genomics
Classification: Likely benign. Review status: criteria provided, single submitter. Criteria: ACMG Guidelines, 2015. Collection method: not provided. Allele origin: germline. Inheritance: Autosomal dominant inheritance. Affected: yes.

Mayo Clinic Laboratories, Mayo Clinic
Classification: Benign. Last evaluated: 2015-10-23. Review status: no assertion criteria provided. Collection method: clinical testing. Allele origin: unknown. Not counted in ClinVar's aggregate classification.

Epithelial Biology;  Institute of Medical Biology, Singapore
No classification provided. Review status: no classification provided. Collection method: not provided. Allele origin: not provided. Not counted in ClinVar's aggregate classification.